The following is an entry in ClinVar:

ClinVar aggregate classification (germline): Uncertain significance (1 of 4 stars; one submission).

Submission:

Labcorp Genetics (formerly Invitae), Labcorp
Classification: Uncertain significance. Last evaluated: 2021-11-01. Review status: criteria provided, single submitter. Criteria: Invitae Variant Classification Sherloc (09022015). Collection method: clinical testing. Allele origin: germline.
Comment: This sequence change replaces aspartic acid, which is acidic and polar, with histidine, which is basic and polar, at codon 368 of the CAPN5 protein (p.Asp368His). In summary, the available evidence is currently insufficient to determine the role of this variant in disease. Therefore, it has been classified as a Variant of Uncertain Significance. Algorithms developed to predict the effect of missense changes on protein structure and function are either unavailable or do not agree on the potential impact of this missense change (SIFT: "Deleterious"; PolyPhen-2: "Possibly Damaging"; Align-GVGD: "Class C15"). This variant has not been reported in the literature in individuals affected with CAPN5-related conditions. This variant is not present in population databases (gnomAD no frequency).

NM_004055.5(CAPN5):c.1102G>C (p.Asp368His)

Gene: CAPN5 (calpain 5; plus strand). Cytogenetic location: 11q13.5.
Variant type: single nucleotide variant.
Coding change: c.1102G>C on transcript NM_004055.5 (MANE Select); coding-DNA position 1102, G replaced by C.
Protein change: p.Asp368His; replaces aspartic acid 368 with histidine.
Molecular consequence: missense variant.
Genome position (GRCh38, 1-based): chr11:77,118,287, G>C. VCF-style: chr11-77118287-G-C. GRCh37 (hg19) VCF-style: chr11-76829333-G-C.
Other names: short protein forms D368H.
Identifiers: ClinVar variation 1380581 (VCV001380581.6), dbSNP rs1386113551, ClinGen allele CA381941635.
Genomic context (GRCh38, chr11:77,118,287, plus strand): 5'-CTGAGCATCCACAAGACGTGGGAGGAGGCCCGGCTGCATGGCGCCTGGACGCTGCATGAG[G>C]ACCCGCGACAGAACCGCGGTGGCGGCTGCATCAACCACAAGGACACCTTCTTCCAGAACC-3'
Protein context (NP_004046.2, residues 358-378): RLHGAWTLHE[Asp368His]PRQNRGGGCI